The following is an entry in ClinVar:

NM_030662.4(MAP2K2):c.55G>T (p.Ala19Ser)

Genes: MAP2K2 (mitogen-activated protein kinase kinase 2; minus strand), LOC130063193 (ATAC-STARR-seq lymphoblastoid silent region 9881; plus strand). Cytogenetic location: 19p13.3.
Variant type: single nucleotide variant.
Coding change: c.55G>T on transcript NM_030662.4 (MANE Select); coding-DNA position 55, G replaced by T.
Protein change: p.Ala19Ser; replaces alanine 19 with serine.
Molecular consequence: missense variant.
Genome position (GRCh38, 1-based): chr19:4,123,821, C>A on the plus strand (G>T on the coding strand, the complement: MAP2K2 is on the minus strand). VCF-style: chr19-4123821-C-A. GRCh37 (hg19) VCF-style: chr19-4123818-C-A.
Other names: short protein forms A19S.
Identifiers: ClinVar variation 2699491 (VCV002699491.3), dbSNP rs2145089839, ClinGen allele CA403395988.

ClinVar aggregate classification (germline): Uncertain significance (1 of 4 stars; one submission).

Conditions:
RASopathy. Also called: Noonan spectrum disorder; rasopathies. Identifiers: Orphanet 536391, MedGen C5555857, MONDO:0021060.

Submission:

Labcorp Genetics (formerly Invitae), Labcorp
Classification: Uncertain significance for RASopathy. Last evaluated: 2023-11-28. Review status: criteria provided, single submitter. Criteria: Invitae Variant Classification Sherloc (09022015). Collection method: clinical testing. Allele origin: germline.
Comment: This sequence change replaces alanine, which is neutral and non-polar, with serine, which is neutral and polar, at codon 19 of the MAP2K2 protein (p.Ala19Ser). This variant is not present in population databases (gnomAD no frequency). This variant has not been reported in the literature in individuals affected with MAP2K2-related conditions. Advanced modeling of protein sequence and biophysical properties (such as structural, functional, and spatial information, amino acid conservation, physicochemical variation, residue mobility, and thermodynamic stability) has been performed at Invitae for this missense variant, however the output from this modeling did not meet the statistical confidence thresholds required to predict the impact of this variant on MAP2K2 protein function. In summary, the available evidence is currently insufficient to determine the role of this variant in disease. Therefore, it has been classified as a Variant of Uncertain Significance.